The following is an entry in ClinVar:

NM_002485.5(NBN):c.1832G>C (p.Ser611Thr)

Gene: NBN (nibrin; minus strand). Cytogenetic location: 8q21.3.
Variant type: single nucleotide variant.
Coding change: c.1832G>C on transcript NM_002485.5 (MANE Select); coding-DNA position 1832, G replaced by C.
Protein change: p.Ser611Thr; replaces serine 611 with threonine.
Molecular consequence: missense variant.
Genome position (GRCh38, 1-based): chr8:89,953,257, C>G on the plus strand (G>C on the coding strand, the complement: NBN is on the minus strand). VCF-style: chr8-89953257-C-G. GRCh37 (hg19) VCF-style: chr8-90965485-C-G.
Other names: c.1586G>C, p.Ser529Thr (NM_001024688.3); short protein forms S529T, S611T.
Identifiers: ClinVar variation 3403070 (VCV003403070.1).

ClinVar aggregate classification (germline): Uncertain significance (1 of 4 stars; one submission).

Conditions:
Hereditary cancer-predisposing syndrome. Also called: Hereditary Cancer Syndrome; Tumor predisposition; Hereditary neoplastic syndrome; Neoplastic Syndromes, Hereditary. Identifiers: Orphanet 140162, MedGen C0027672, MeSH D009386, MONDO:0015356.

Submission:

Ambry Genetics
Classification: Uncertain significance for Hereditary cancer-predisposing syndrome. Last evaluated: 2024-10-20. Review status: criteria provided, single submitter. Criteria: Ambry Variant Classification Scheme 2023. Collection method: clinical testing. Allele origin: germline.
Comment: The p.S611T variant (also known as c.1832G>C), located in coding exon 11 of the NBN gene, results from a G to C substitution at nucleotide position 1832. The serine at codon 611 is replaced by threonine, an amino acid with similar properties. This amino acid position is conserved. In addition, this alteration is predicted to be tolerated by in silico analysis. Based on the available evidence, the clinical significance of this variant remains unclear.